The following is an entry in ClinVar:

NM_001378418.1(TCF20):c.3399_3401dup (p.Arg1133_Ser1134insArg)

Gene: TCF20 (transcription factor 20; minus strand). Cytogenetic location: 22q13.2.
Variant type: Duplication.
Coding change: c.3399_3401dup on transcript NM_001378418.1 (MANE Select); coding-DNA positions 3399 to 3401, 3 bases duplicated (GAG; older notation c.3399_3401dupGAG).
Protein change: p.Arg1133_Ser1134insArg.
Molecular consequence: inframe insertion.
Genome position (GRCh38, 1-based): chr22:42,211,905-42,211,907, CTC duplicated on the plus strand (GAG on the coding strand, the reverse complement: TCF20 is on the minus strand); duplicating any 3 consecutive bases within chr22:42,211,905-42,211,908 gives the same sequence; the c. name uses the placement nearest the transcript's 3' end. VCF-style (leftmost placement, unchanged base first): chr22-42211904-G-GCTC. GRCh37 (hg19) VCF-style: chr22-42607910-G-GCTC.
Other names: c.3399_3401dupGAG (NM_005650.3); c.3399_3401dup, p.Arg1133_Ser1134insArg (NM_005650.4, NM_181492.3).
Identifiers: ClinVar variation 2133807 (VCV002133807.5), dbSNP rs756556035, ClinGen allele CA10266838.

ClinVar aggregate classification (germline): Uncertain significance. Review status: criteria provided, multiple submitters, no conflicts (2 of 4 stars). 2 submissions from 2 submitters: Uncertain significance (2). Last evaluated 2023-08-09.

Submissions (2):

Women's Health and Genetics/Laboratory Corporation of America, LabCorp
Classification: Uncertain significance. Last evaluated: 2023-08-09. Review status: criteria provided, single submitter. Criteria: LabCorp Variant Classification Summary - May 2015. Collection method: clinical testing. Allele origin: germline.
Comment: Variant summary: TCF20 c.3399_3401dupGAG (p.Arg1133dup) results in an in-frame duplication that is predicted to duplicate one amino acid in the encoded protein. The variant allele was found at a frequency of 1.2e-05 in 251484 control chromosomes (i.e., 3 heterozygotes; gnomAD v2.1 Exomes dataset). The available data on variant occurrences in the general population are insufficient to allow any conclusion about variant significance. To our knowledge, no occurrence of c.3399_3401dupGAG in individuals affected with Developmental Delay With Variable Intellectual Impairment And Behavioral Abnormalities and no experimental evidence demonstrating its impact on protein function have been reported. One submitter has reported clinical-significance assessments for this variant to ClinVar after 2014 and has classified the variant as uncertain significance. Based on the evidence outlined above, the variant was classified as uncertain significance.

Labcorp Genetics (formerly Invitae), Labcorp
Classification: Uncertain significance. Last evaluated: 2022-07-09. Review status: criteria provided, single submitter. Criteria: Invitae Variant Classification Sherloc (09022015). Collection method: clinical testing. Allele origin: germline.
Comment: In summary, the available evidence is currently insufficient to determine the role of this variant in disease. Therefore, it has been classified as a Variant of Uncertain Significance. Experimental studies and prediction algorithms are not available or were not evaluated, and the functional significance of this variant is currently unknown. This variant has not been reported in the literature in individuals affected with TCF20-related conditions. This variant is present in population databases (rs756556035, gnomAD 0.003%). This variant, c.3399_3401dup, results in the insertion of 1 amino acid(s) of the TCF20 protein (p.Arg1133dup), but otherwise preserves the integrity of the reading frame.